The following is an entry in ClinVar:

NM_001267550.2(TTN):c.6378G>A (p.Trp2126Ter)

Gene: TTN (titin; minus strand). Cytogenetic location: 2q31.2.
Variant type: single nucleotide variant.
Coding change: c.6378G>A on transcript NM_001267550.2 (MANE Select); coding-DNA position 6378, G replaced by A.
Protein change: p.Trp2126Ter; replaces tryptophan 2126 with a stop codon.
Molecular consequence: nonsense.
Genome position (GRCh38, 1-based): chr2:178,775,486, C>T on the plus strand (G>A on the coding strand, the complement: TTN is on the minus strand). VCF-style: chr2-178775486-C-T. GRCh37 (hg19) VCF-style: chr2-179640213-C-T.
Other names: p.Trp2126*; c.6378G>A, p.Trp2126Ter (NM_001256850.1, NM_133378.4, NM_133379.5); c.6240G>A, p.Trp2080Ter (NM_003319.4, NM_133432.3, NM_133437.4); short protein forms W2080*, W2126*.
Identifiers: ClinVar variation 638941 (VCV000638941.12), dbSNP rs754781119, ClinGen allele CA2005059.
Genomic context (GRCh38, chr2:178,775,486, plus strand): 5'-AGAGTCCTCAGCAGTCACATCTCTTATGACCAATTCACAAACATTGTCTTCGGGCCAGTA[C>T]CAGTAGATCCGGTCAGACCGTTCAATTTTGACACCATTTTTGTACCATTCACATTCGGGG-3'

ClinVar aggregate classification (germline): Conflicting classifications of pathogenicity. Review status: criteria provided, conflicting classifications (1 of 4 stars). 4 submissions from 4 submitters: Pathogenic (1); Likely pathogenic (2); Uncertain significance (1). Last evaluated 2025-10-30.

Conditions:
Cardiovascular phenotype. Identifiers: MedGen CN230736.
Autosomal recessive limb-girdle muscular dystrophy type 2J (LGMDR10). Also called: Limb-girdle muscular dystrophy, type 2J; MUSCULAR DYSTROPHY, LIMB-GIRDLE, AUTOSOMAL RECESSIVE 10. Identifiers: Orphanet 140922, MedGen C1837342, MONDO:0012127, OMIM 608807.
Dilated cardiomyopathy 1G (CMD1G). Identifiers: Orphanet 154, MedGen C1858763, MONDO:0011400, OMIM 604145.

Allele frequency attached by ClinVar (database versions not stated): gnomAD exomes below 0.00001; ExAC 0.00001.
gnomAD v4.1: 1 of 1,613,964 alleles (0.000062%); highest among the groups gnomAD compares: Admixed American, 0.0017%; no homozygotes.

Submissions (4):

Ambry Genetics
Classification: Likely pathogenic for Cardiovascular phenotype. Last evaluated: 2025-10-30. Review status: criteria provided, single submitter. Criteria: Ambry Variant Classification Scheme 2023. Collection method: clinical testing. Allele origin: germline.
Comment: The p.W2080* variant (also known as c.6240G>A), located in coding exon 26 of the TTN gene, results from a G to A substitution at nucleotide position 6240. This changes the amino acid from a tryptophan to a stop codon within coding exon 26. This exon is located in the near Z-disk/I-band region of the N2-B isoform of the titin protein and is constitutively expressed in TTN transcripts (percent spliced in or PSI 100%). This variant is considered to be rare based on population cohorts in the Genome Aggregation Database (gnomAD). This variant is expected to result in loss of function by premature protein truncation or nonsense-mediated mRNA decay. While truncating variants in TTN are present in 1-3% of the general population, truncating variants in the A-band are the most common cause of dilated cardiomyopathy (Herman DS et al. N. Engl. J. Med., 2012 Feb;366:619-28; Roberts AM et al. Sci Transl Med, 2015 Jan;7:270ra6). TTN truncating variants encoded in constitutive exons (PSI >90%) have been found to be significantly associated with DCM regardless of their position in titin (Schafer S et al. Nat. Genet., 2017 01;49:46-53; Akhtar MM et al. Circ Heart Fail, 2020 Oct;13:e006832; Massier M et al. Clin Genet, 2025 Jan). Based on the majority of available evidence to date, this variant is likely to be pathogenic.

Labcorp Genetics (formerly Invitae), Labcorp
Classification: Pathogenic for Dilated cardiomyopathy 1G; Autosomal recessive limb-girdle muscular dystrophy type 2J. Last evaluated: 2025-10-20. Review status: criteria provided, single submitter. Criteria: Invitae Variant Classification Sherloc (09022015). Collection method: clinical testing. Allele origin: germline.
Comment: This sequence change creates a premature translational stop signal (p.Trp2126*) in the TTN gene. While this is not anticipated to result in nonsense mediated decay, it is expected to create a truncated TTN protein. This variant is present in population databases (rs754781119, gnomAD 0.003%). This premature translational stop signal has been observed in individuals with clinical features of autosomal dominant dilated cardiomyopathy (internal data). ClinVar contains an entry for this variant (Variation ID: 638941). This variant is located in the Z band of TTN (PMID: 25589632). Truncating variants in this region have been reported in individuals affected with autosomal recessive centronuclear myopathy (PMID: 33449170, internal data). Truncating variants in this region have also been identified in individuals affected with autosomal dominant dilated cardiomyopathy and/or cardio-related conditions (PMID: 27869827, 32964742, internal data). For these reasons, this variant has been classified as Pathogenic.

Mayo Clinic Laboratories, Mayo Clinic
Classification: Likely pathogenic. Last evaluated: 2025-04-17. Review status: criteria provided, single submitter. Criteria: ACMG Guidelines, 2015. Collection method: clinical testing. Allele origin: germline. Observed: 1 variant allele.
Comment: PM2_supporting, PVS1

Revvity Omics, Revvity
Classification: Uncertain significance. Last evaluated: 2019-08-27. Review status: criteria provided, single submitter. Criteria: ACMG Guidelines, 2015. Collection method: clinical testing. Allele origin: germline.

Literature cited by the submitters: PubMed 25589632 (cited by Labcorp Genetics (formerly Invitae), Labcorp and Mayo Clinic Laboratories, Mayo Clinic); PubMed 33449170 (cited by Labcorp Genetics (formerly Invitae), Labcorp); PubMed 27869827 (cited by Labcorp Genetics (formerly Invitae), Labcorp); PubMed 32964742 (cited by Labcorp Genetics (formerly Invitae), Labcorp).